The following is an entry in ClinVar:

NM_001852.4(COL9A2):c.879C>G (p.Ile293Met)

Gene: COL9A2 (collagen type IX alpha 2 chain; minus strand). Cytogenetic location: 1p34.2.
Variant type: single nucleotide variant.
Coding change: c.879C>G on transcript NM_001852.4 (MANE Select); coding-DNA position 879, C replaced by G.
Protein change: p.Ile293Met; replaces isoleucine 293 with methionine.
Molecular consequence: missense variant.
Genome position (GRCh38, 1-based): chr1:40,308,213, G>C on the plus strand (C>G on the coding strand, the complement: COL9A2 is on the minus strand). VCF-style: chr1-40308213-G-C. GRCh37 (hg19) VCF-style: chr1-40773885-G-C.
Other names: short protein forms I293M.
Identifiers: ClinVar variation 1484492 (VCV001484492.8), dbSNP rs371503621, ClinGen allele CA791699.

ClinVar aggregate classification (germline): Uncertain significance (1 of 4 stars; one submission).

Allele frequency attached by ClinVar (database versions not stated): ExAC 0.00001; gnomAD 0.00001; TOPMed 0.00002; ESP Exome Variant Server 0.00008.
gnomAD v4.1: 1 of 1,614,042 alleles (0.000062%); highest among the groups gnomAD compares: African/African-American, 0.0013%; no homozygotes.

Submission:

Labcorp Genetics (formerly Invitae), Labcorp
Classification: Uncertain significance. Last evaluated: 2022-10-05. Review status: criteria provided, single submitter. Criteria: Invitae Variant Classification Sherloc (09022015). Collection method: clinical testing. Allele origin: germline.
Comment: This sequence change replaces isoleucine, which is neutral and non-polar, with methionine, which is neutral and non-polar, at codon 293 of the COL9A2 protein (p.Ile293Met). This variant is present in population databases (rs371503621, gnomAD 0.007%). This variant has not been reported in the literature in individuals affected with COL9A2-related conditions. ClinVar contains an entry for this variant (Variation ID: 1484492). Advanced modeling of protein sequence and biophysical properties (such as structural, functional, and spatial information, amino acid conservation, physicochemical variation, residue mobility, and thermodynamic stability) performed at Invitae indicates that this missense variant is not expected to disrupt COL9A2 protein function. In summary, the available evidence is currently insufficient to determine the role of this variant in disease. Therefore, it has been classified as a Variant of Uncertain Significance.